The following is an entry in ClinVar:

ClinVar aggregate classification (germline): Benign/Likely benign. Review status: criteria provided, multiple submitters, no conflicts (2 of 4 stars). 3 submissions from 3 submitters: Benign (1); Likely benign (2). Last evaluated 2025-01-08.

Conditions:
Hereditary nonpolyposis colorectal neoplasms. Identifiers: MedGen C0009405, MeSH D003123.
Hereditary cancer-predisposing syndrome. Also called: Neoplastic Syndromes, Hereditary; Tumor predisposition; Hereditary Cancer Syndrome; Hereditary neoplastic syndrome. Identifiers: Orphanet 140162, MedGen C0027672, MeSH D009386, MONDO:0015356.
Lynch syndrome 5 (LYNCH5). Also called: Colorectal cancer, hereditary nonpolyposis, type 5; Hereditary non-polyposis colorectal cancer, type 5. Identifiers: Orphanet 144, MedGen C1833477, MONDO:0013710, OMIM 614350. Disease mechanism: loss of function.

Allele frequency attached by ClinVar (database versions not stated): gnomAD exomes below 0.00001.
gnomAD v4.1: 2 of 1,614,098 alleles (0.00012%); highest among the groups gnomAD compares: South Asian, 0.0011%; no homozygotes.

Submissions (3):

Myriad Genetics, Inc.
Classification: Benign for Lynch syndrome 5. Last evaluated: 2025-01-08. Review status: criteria provided, single submitter. Criteria: Myriad Autosomal Dominant, Autosomal Recessive and X-Linked Classification Criteria (2023). Collection method: clinical testing. Allele origin: unknown.
Comment: This variant is considered benign. This variant is a silent/synonymous amino acid change and it is not expected to impact splicing.

Labcorp Genetics (formerly Invitae), Labcorp
Classification: Likely benign for Hereditary nonpolyposis colorectal neoplasms. Last evaluated: 2023-06-25. Review status: criteria provided, single submitter. Criteria: Invitae Variant Classification Sherloc (09022015). Collection method: clinical testing. Allele origin: germline.

Ambry Genetics
Classification: Likely benign for Hereditary cancer-predisposing syndrome. Last evaluated: 2021-10-19. Review status: criteria provided, single submitter. Criteria: Ambry Variant Classification Scheme 2023. Collection method: clinical testing. Allele origin: germline.

NM_000179.3(MSH6):c.3846T>C (p.Thr1282=)

Gene: MSH6 (mutS homolog 6; plus strand). Cytogenetic location: 2p16.3.
Variant type: single nucleotide variant.
Coding change: c.3846T>C on transcript NM_000179.3 (MANE Select); coding-DNA position 3846, T replaced by C.
Protein change: p.Thr1282=; no amino-acid change (threonine 1282 retained).
Molecular consequence: synonymous variant. On other transcripts: missense variant (1), non-coding transcript variant (5), intron variant (1).
Genome position (GRCh38, 1-based): chr2:47,806,496, T>C. VCF-style: chr2-47806496-T-C. GRCh37 (hg19) VCF-style: chr2-48033635-T-C.
Other names: c.3456T>C, p.Thr1152= (NM_001281492.2); c.2940T>C, p.Thr980= (NM_001281493.2, NM_001281494.2, NM_001406811.1 and 6 more transcripts); c.3942T>C, p.Thr1314= (NM_001406795.1); c.3846T>C, p.Thr1282= (NM_001406796.1, NM_001406808.1, NM_001406809.1); c.3549T>C, p.Thr1183= (NM_001406797.1, NM_001406801.1, NM_001406805.1 and 10 more transcripts); c.3672T>C, p.Thr1224= (NM_001406798.1); c.3321T>C, p.Thr1107= (NM_001406799.1, NM_001406806.1, NM_001406807.1); c.3833T>C, p.Leu1278Pro (NM_001406800.1); and 9 more; short protein forms L1278P.
Identifiers: ClinVar variation 1735470 (VCV001735470.6), dbSNP rs1670101376, ClinGen allele CA426122119.